The following is an entry in ClinVar:

ClinVar aggregate classification (germline): Conflicting classifications of pathogenicity. Review status: criteria provided, conflicting classifications (1 of 4 stars). 7 submissions from 7 submitters: Uncertain significance (4); Benign (1); Likely benign (2). Last evaluated 2026-01-26.

Conditions:
Autoinflammatory syndrome. Identifiers: Orphanet 93665, MedGen C3890737, MONDO:0019751.
Pyogenic arthritis-pyoderma gangrenosum-acne syndrome (PAPA). Also called: FAMILIAL RECURRENT ARTHRITIS; PAPA SYNDROME. Identifiers: Orphanet 69126, MedGen C1858361, MONDO:0011462, OMIM 604416.

Allele frequency attached by ClinVar (database versions not stated): TOPMed 0.00003; ESP Exome Variant Server 0.00008; 1000 Genomes Project 30x 0.00016; 1000 Genomes Project 0.00020.
gnomAD v4.1: 284 of 1,612,100 alleles (0.018%); highest among the groups gnomAD compares: Middle Eastern, 0.38%; 3 homozygotes.

Submissions (7):

Labcorp Genetics (formerly Invitae), Labcorp
Classification: Benign for Pyogenic arthritis-pyoderma gangrenosum-acne syndrome. Last evaluated: 2026-01-26. Review status: criteria provided, single submitter. Criteria: Invitae Variant Classification Sherloc (09022015). Collection method: clinical testing. Allele origin: germline.

Mayo Clinic Laboratories, Mayo Clinic
Classification: Uncertain significance. Last evaluated: 2025-09-11. Review status: criteria provided, single submitter. Criteria: ACMG Guidelines, 2015. Collection method: clinical testing. Allele origin: germline. Observed: 1 variant allele.
Comment: PP3

Blueprint Genetics
Classification: Likely benign. Last evaluated: 2024-09-14. Review status: criteria provided, single submitter. Criteria: ACMG Guidelines, 2015. Collection method: clinical testing. Allele origin: germline.

ARUP Laboratories, Molecular Genetics and Genomics, ARUP Laboratories
Classification: Uncertain significance for Pyogenic arthritis-pyoderma gangrenosum-acne syndrome. Last evaluated: 2022-05-03. Review status: criteria provided, single submitter. Criteria: ARUP Molecular Germline Variant Investigation Process 2021. Collection method: clinical testing. Allele origin: germline.
Comment: The PSTPIP1 c.1207G>C; p.Gly403Arg variant (rs369113632) has been published in the literature in an individual with pyoderma gangrenosum (Zeeli 2015). The variant is reported in the ClinVar database (Variation ID: 440207) and in the general population with an overall allele frequency of 0.03% (77/246,962 alleles, including 1 homozygote) in the Genome Aggregation Database. The glycine at codon 403 is moderately conserved, and computational analyses predict that this variant is deleterious (REVEL: 0.715). Due to limited information, the clinical significance of the p.Gly403Arg variant is uncertain at this time. References: Zeeli T et al. Pyoderma gangrenosum, acne and ulcerative colitis in a patient with a novel mutation in the PSTPIP1 gene. Clin Exp Dermatol. 2015 40(4):367-72. PMID: 25683018.

Genome Diagnostics Laboratory, The Hospital for Sick Children
Classification: Uncertain significance for Autoinflammatory syndrome. Last evaluated: 2021-08-31. Review status: criteria provided, single submitter. Criteria: ACMG Guidelines, 2015. Collection method: clinical testing. Allele origin: germline. Affected: yes.

Revvity Omics, Revvity
Classification: Uncertain significance for Pyogenic arthritis-pyoderma gangrenosum-acne syndrome. Last evaluated: 2021-05-20. Review status: criteria provided, single submitter. Criteria: ACMG Guidelines, 2015. Collection method: clinical testing. Allele origin: germline.

GeneDx
Classification: Likely benign. Last evaluated: 2020-07-27. Review status: criteria provided, single submitter. Criteria: GeneDx Variant Classification Process June 2021. Collection method: clinical testing. Allele origin: germline. Affected: yes.
Comment: This variant is associated with the following publications: (PMID: 27464597, 25683018, 28593717)

Literature cited by the submitters: PubMed 25683018 (cited by Mayo Clinic Laboratories, Mayo Clinic); PubMed 37013170 (cited by Mayo Clinic Laboratories, Mayo Clinic).

NM_003978.5(PSTPIP1):c.1207G>C (p.Gly403Arg)

Gene: PSTPIP1 (proline-serine-threonine phosphatase interacting protein 1; plus strand). Cytogenetic location: 15q24.3.
Variant type: single nucleotide variant.
Coding change: c.1207G>C on transcript NM_003978.5 (MANE Select); coding-DNA position 1207, G replaced by C.
Protein change: p.Gly403Arg; replaces glycine 403 with arginine.
Molecular consequence: missense variant. On other transcripts: non-coding transcript variant (1).
Genome position (GRCh38, 1-based): chr15:77,037,132, G>C. VCF-style: chr15-77037132-G-C. GRCh37 (hg19) VCF-style: chr15-77329473-G-C.
Other names: p.Gly403Arg; c.1150G>C, p.Gly384Arg (NM_001321135.2); c.1180G>C, p.Gly394Arg (NM_001321136.2); c.1402G>C, p.Gly468Arg (NM_001321137.1); short protein forms G403R, G384R, G468R, G394R.
Identifiers: ClinVar variation 440207 (VCV000440207.32), dbSNP rs369113632, ClinGen allele CA7676224.